The following is an entry in ClinVar:

ClinVar aggregate classification (germline): Uncertain significance (1 of 4 stars; one submission).

Conditions:
Charcot-Marie-Tooth disease axonal type 2F (CMT2F). Also called: Charcot-Marie-Tooth Neuropathy Type 2F; CHARCOT-MARIE-TOOTH DISEASE, NEURONAL, TYPE 2F. Identifiers: Orphanet 99940, MedGen C1847823, MONDO:0011687, OMIM 606595.

Submission:

Labcorp Genetics (formerly Invitae), Labcorp
Classification: Uncertain significance for Charcot-Marie-Tooth disease axonal type 2F. Last evaluated: 2023-02-23. Review status: criteria provided, single submitter. Criteria: Invitae Variant Classification Sherloc (09022015). Collection method: clinical testing. Allele origin: germline.
Comment: This variant is not present in population databases (gnomAD no frequency). In summary, the available evidence is currently insufficient to determine the role of this variant in disease. Therefore, it has been classified as a Variant of Uncertain Significance. Experimental studies and prediction algorithms are not available or were not evaluated, and the functional significance of this variant is currently unknown. ClinVar contains an entry for this variant (Variation ID: 846632). This variant has not been reported in the literature in individuals affected with HSPB1-related conditions. This sequence change results in a frameshift in the HSPB1 gene (p.Ala204Argfs*6). While this is not anticipated to result in nonsense mediated decay, it is expected to disrupt the last 2 amino acid(s) of the HSPB1 protein and extend the protein by 3 additional amino acid residues.

NM_001540.5(HSPB1):c.609dup (p.Ala204fs)

Gene: HSPB1 (heat shock protein family B (small) member 1; plus strand). Cytogenetic location: 7q11.23.
Variant type: Duplication.
Coding change: c.609dup on transcript NM_001540.5 (MANE Select); coding-DNA position 609, one base duplicated (C; older notation c.609dupC).
Protein change: p.Ala204fs; shifts the reading frame from alanine 204.
Molecular consequence: frameshift variant.
Genome position (GRCh38, 1-based): chr7:76,304,164, C duplicated; the last of 2 consecutive C bases (chr7:76,304,163-76,304,164); duplicating either gives the same sequence. VCF-style (leftmost placement, unchanged base first): chr7-76304162-G-GC. GRCh37 (hg19) VCF-style: chr7-75933479-G-GC.
Other names: short protein forms A204fs.
Identifiers: ClinVar variation 846632 (VCV000846632.7), dbSNP rs1563653037, ClinGen allele CA916080373.